The following is an entry in ClinVar:

NM_021153.4(CDH19):c.1522A>T (p.Asn508Tyr)

Gene: CDH19 (cadherin 19; minus strand). Cytogenetic location: 18q22.1.
Variant type: single nucleotide variant.
Coding change: c.1522A>T on transcript NM_021153.4 (MANE Select); coding-DNA position 1522, A replaced by T.
Protein change: p.Asn508Tyr; replaces asparagine 508 with tyrosine.
Molecular consequence: missense variant. On other transcripts: non-coding transcript variant (1), intron variant (1).
Genome position (GRCh38, 1-based): chr18:66,511,622, T>A on the plus strand (A>T on the coding strand, the complement: CDH19 is on the minus strand). VCF-style: chr18-66511622-T-A. GRCh37 (hg19) VCF-style: chr18-64178859-T-A.
Other names: c.1459-6320A>T (NM_001271028.2); short protein forms N508Y.
Identifiers: ClinVar variation 4993773 (VCV004993773.1).

ClinVar aggregate classification (germline): Uncertain significance (1 of 4 stars; one submission).

Conditions:
CDH19-related disorder. Also called: CDH19-related condition.

gnomAD v4.1: 2 of 1,571,026 alleles (0.00013%); highest among the groups gnomAD compares: East Asian, 0.0045%; no homozygotes.

Submission:

PreventionGenetics, part of Exact Sciences
Classification: Uncertain significance for CDH19-related condition. Last evaluated: 2025-10-20. Review status: criteria provided, single submitter. Criteria: ACMG Guidelines, 2015. Collection method: clinical testing. Allele origin: germline.
Comment: The CDH19 c.1522A>T variant is predicted to result in the amino acid substitution p.Asn508Tyr. To our knowledge, this variant has not been reported in the literature. This variant is reported in 0.0055% of alleles in individuals of East Asian descent in gnomAD. At this time, the clinical significance of this variant is uncertain due to the absence of conclusive functional and genetic evidence.